The following is an entry in ClinVar:

NM_015599.3(PGM3):c.1128+1G>A

Gene: PGM3 (phosphoglucomutase 3; minus strand). Cytogenetic location: 6q14.1.
Variant type: single nucleotide variant.
Coding change: c.1128+1G>A on transcript NM_015599.3 (MANE Select); the canonical splice donor site of the intron after coding-DNA position 1128, G replaced by A.
Molecular consequence: splice donor variant.
Genome position (GRCh38, 1-based): chr6:83,175,961, C>T on the plus strand (G>A on the coding strand, the complement: PGM3 is on the minus strand). VCF-style: chr6-83175961-C-T. GRCh37 (hg19) VCF-style: chr6-83885680-C-T.
Other names: c.1212+1G>A (NM_001199917.2, NM_001367287.1); c.885+1G>A (NM_001199918.2); c.1128+1G>A (NM_001367286.1, NM_001199919.2).
Identifiers: ClinVar variation 2019420 (VCV002019420.4), dbSNP rs2538080888, ClinGen allele CA364880403.

ClinVar aggregate classification (germline): Likely pathogenic (1 of 4 stars; one submission).

Conditions:
Immunodeficiency 23 (IMD23). Also called: IMMUNODEFICIENCY-VASCULITIS-MYOCLONUS SYNDROME; IMMUNODEFICIENCY WITH HYPER IgE AND COGNITIVE IMPAIRMENT. Identifiers: Orphanet 443811, MedGen C4014371, MONDO:0014353, OMIM 615816.

Submission:

Labcorp Genetics (formerly Invitae), Labcorp
Classification: Likely pathogenic for Immunodeficiency 23. Last evaluated: 2022-07-25. Review status: criteria provided, single submitter. Criteria: Invitae Variant Classification Sherloc (09022015). Collection method: clinical testing. Allele origin: germline.
Comment: This variant is not present in population databases (gnomAD no frequency). In summary, the currently available evidence indicates that the variant is pathogenic, but additional data are needed to prove that conclusively. Therefore, this variant has been classified as Likely Pathogenic. Algorithms developed to predict the effect of sequence changes on RNA splicing suggest that this variant may disrupt the consensus splice site. This variant has not been reported in the literature in individuals affected with PGM3-related conditions. This sequence change affects a donor splice site in intron 10 of the PGM3 gene. It is expected to disrupt RNA splicing. Variants that disrupt the donor or acceptor splice site typically lead to a loss of protein function (PMID: 16199547), and loss-of-function variants in PGM3 are known to be pathogenic (PMID: 17548465, 24589341, 24931394).

Literature cited by the submitters: PubMed 16199547; PubMed 17548465; PubMed 24589341; PubMed 24931394.